The following is an entry in ClinVar:

NM_006908.5(RAC1):c.376A>G (p.Ile126Val)

Gene: RAC1 (Rac family small GTPase 1; plus strand). Cytogenetic location: 7p22.1.
Variant type: single nucleotide variant.
Coding change: c.376A>G on transcript NM_006908.5 (MANE Select); coding-DNA position 376, A replaced by G.
Protein change: p.Ile126Val; replaces isoleucine 126 with valine.
Molecular consequence: missense variant.
Genome position (GRCh38, 1-based): chr7:6,401,955, A>G. VCF-style: chr7-6401955-A-G. GRCh37 (hg19) VCF-style: chr7-6441586-A-G.
Other names: c.433A>G, p.Ile145Val (NM_018890.4); short protein forms I126V, I145V.
Identifiers: ClinVar variation 4862820 (VCV004862820.1).

ClinVar aggregate classification (germline): Uncertain significance (1 of 4 stars; one submission).

Conditions:
Inborn genetic diseases. Identifiers: MedGen C0950123, MeSH D030342.

gnomAD v4.1: 9 of 1,614,206 alleles (0.00056%); highest among the groups gnomAD compares: African/African-American, 0.0013%; no homozygotes.

Submission:

Ambry Genetics
Classification: Uncertain significance for Inborn genetic diseases. Last evaluated: 2026-04-21. Review status: criteria provided, single submitter. Criteria: Ambry Variant Classification Scheme 2023. Collection method: clinical testing. Allele origin: germline.
Comment: The c.433A>G (p.I145V) alteration is located in exon 6 (coding exon 6) of the RAC1 gene. This alteration results from a A to G substitution at nucleotide position 433, causing the isoleucine (I) at amino acid position 145 to be replaced by a valine (V). Based on data from gnomAD, the G allele has an overall frequency of <0.001% (1/251490) total alleles studied. The highest observed frequency was 0.006% (1/16256) of African alleles. Based on insufficient or conflicting evidence, the clinical significance of this alteration remains unclear.